The following is an entry in ClinVar:

NM_006939.4(SOS2):c.484A>G (p.Ile162Val)

Gene: SOS2 (SOS Ras/Rho guanine nucleotide exchange factor 2; minus strand). Cytogenetic location: 14q21.3.
Variant type: single nucleotide variant.
Coding change: c.484A>G on transcript NM_006939.4 (MANE Select); coding-DNA position 484, A replaced by G.
Protein change: p.Ile162Val; replaces isoleucine 162 with valine.
Molecular consequence: missense variant.
Genome position (GRCh38, 1-based): chr14:50,199,717, T>C on the plus strand (A>G on the coding strand, the complement: SOS2 is on the minus strand). VCF-style: chr14-50199717-T-C. GRCh37 (hg19) VCF-style: chr14-50666435-T-C.
Other names: c.484A>G, p.Ile162Val (NM_001411020.1); short protein forms I162V.
Identifiers: ClinVar variation 4695379 (VCV004695379.1).

ClinVar aggregate classification (germline): Uncertain significance (1 of 4 stars; one submission).

Conditions:
Noonan syndrome 9 (NS9). Identifiers: Orphanet 648, MedGen C4225282, MONDO:0014691, OMIM 616559.

Submission:

Labcorp Genetics (formerly Invitae), Labcorp
Classification: Uncertain significance for Noonan syndrome 9. Last evaluated: 2025-12-20. Review status: criteria provided, single submitter. Criteria: Invitae Variant Classification Sherloc (09022015). Collection method: clinical testing. Allele origin: germline.
Comment: This sequence change replaces isoleucine, which is neutral and non-polar, with valine, which is neutral and non-polar, at codon 162 of the SOS2 protein (p.Ile162Val). This variant is not present in population databases (gnomAD no frequency). This variant has not been reported in the literature in individuals affected with SOS2-related conditions. Invitae Evidence Modeling of protein sequence and biophysical properties (such as structural, functional, and spatial information, amino acid conservation, physicochemical variation, residue mobility, and thermodynamic stability) indicates that this missense variant is not expected to disrupt SOS2 protein function with a negative predictive value of 95%. In summary, the available evidence is currently insufficient to determine the role of this variant in disease. Therefore, it has been classified as a Variant of Uncertain Significance.